The following is an entry in ClinVar:

ClinVar aggregate classification (germline): Conflicting classifications of pathogenicity. Review status: criteria provided, conflicting classifications (1 of 4 stars). 3 submissions from 3 submitters: Uncertain significance (2); Likely benign (1). Last evaluated 2025-02-18.

Conditions:
Imerslund-Grasbeck syndrome. Also called: ENTEROCYTE COBALAMIN MALABSORPTION; ENTEROCYTE INTRINSIC FACTOR RECEPTOR, DEFECT OF; PERNICIOUS ANEMIA, JUVENILE, DUE TO SELECTIVE INTESTINAL MALABSORPTION OF VITAMIN B12, WITH PROTEINURIA; Megaloblastic anemia due to inborn errors of metabolism; Imerslund-Gräsbeck syndrome. Identifiers: Orphanet 35858, MedGen C4551825, MONDO:0009853.
Inborn genetic diseases. Identifiers: MedGen C0950123, MeSH D030342.

Allele frequency attached by ClinVar (database versions not stated): gnomAD exomes 0.00002; TOPMed 0.00004; ExAC 0.00005; ESP Exome Variant Server 0.00008; gnomAD 0.00008.
gnomAD v4.1: 41 of 1,613,220 alleles (0.0025%); highest among the groups gnomAD compares: South Asian, 0.033%; no homozygotes.

Submissions (3):

Ambry Genetics
Classification: Likely benign for Inborn genetic diseases. Last evaluated: 2025-02-18. Review status: criteria provided, single submitter. Criteria: Ambry Variant Classification Scheme 2023. Collection method: clinical testing. Allele origin: germline.

GeneDx
Classification: Uncertain significance. Last evaluated: 2024-10-16. Review status: criteria provided, single submitter. Criteria: GeneDx Variant Classification Process June 2021. Collection method: clinical testing. Allele origin: germline. Affected: yes.
Comment: In silico analysis indicates that this missense variant does not alter protein structure/function; Has not been previously published as pathogenic or benign to our knowledge

Labcorp Genetics (formerly Invitae), Labcorp
Classification: Uncertain significance for Imerslund-Grasbeck syndrome. Last evaluated: 2024-02-24. Review status: criteria provided, single submitter. Criteria: Invitae Variant Classification Sherloc (09022015). Collection method: clinical testing. Allele origin: germline.
Comment: This sequence change replaces methionine, which is neutral and non-polar, with isoleucine, which is neutral and non-polar, at codon 3145 of the CUBN protein (p.Met3145Ile). This variant is present in population databases (rs375276752, gnomAD 0.02%). This variant has not been reported in the literature in individuals affected with CUBN-related conditions. ClinVar contains an entry for this variant (Variation ID: 2151204). Advanced modeling of protein sequence and biophysical properties (such as structural, functional, and spatial information, amino acid conservation, physicochemical variation, residue mobility, and thermodynamic stability) performed at Invitae indicates that this missense variant is not expected to disrupt CUBN protein function with a negative predictive value of 80%. In summary, the available evidence is currently insufficient to determine the role of this variant in disease. Therefore, it has been classified as a Variant of Uncertain Significance.

NM_001081.4(CUBN):c.9435G>A (p.Met3145Ile)

Gene: CUBN (cubilin; minus strand). Cytogenetic location: 10p13.
Variant type: single nucleotide variant.
Coding change: c.9435G>A on transcript NM_001081.4 (MANE Select); coding-DNA position 9435, G replaced by A.
Protein change: p.Met3145Ile; replaces methionine 3145 with isoleucine.
Molecular consequence: missense variant.
Genome position (GRCh38, 1-based): chr10:16,869,655, C>T on the plus strand (G>A on the coding strand, the complement: CUBN is on the minus strand). VCF-style: chr10-16869655-C-T. GRCh37 (hg19) VCF-style: chr10-16911654-C-T.
Other names: short protein forms M3145I.
Identifiers: ClinVar variation 2151204 (VCV002151204.5), dbSNP rs375276752, ClinGen allele CA5422714.